The following is an entry in ClinVar:

NR_003051.4(RMRP):n.47T>A

Gene: RMRP (RNA component of mitochondrial RNA processing endoribonuclease; minus strand). Cytogenetic location: 9p13.3.
Variant type: single nucleotide variant.
Genome position: GRCh38 VCF-style: chr9-35657973-A-T. GRCh37 (hg19) VCF-style: chr9-35657970-A-T.
Identifiers: ClinVar variation 533772 (VCV000533772.36), dbSNP rs529328233, ClinGen allele CA5045859.

ClinVar aggregate classification (germline): Likely benign. Review status: criteria provided, multiple submitters, no conflicts (2 of 4 stars). 4 submissions from 4 submitters: Likely benign (3). 1 of the submissions does not count toward it. Last evaluated 2026-08-01.

Conditions:
Anauxetic dysplasia. Identifiers: Orphanet 93347, MedGen C1846796, MONDO:0011773.
RMRP-related disorder. Also called: RMRP-related condition.

Allele frequency attached by ClinVar (database versions not stated): TOPMed 0.00014; 1000 Genomes Project 30x 0.00156; 1000 Genomes Project 0.00200; ExAC 0.00402.
gnomAD v4.1: 511 of 700,454 alleles (0.073%); highest among the groups gnomAD compares: South Asian, 0.64%; 7 homozygotes.

Submissions (4):

CeGaT Center for Human Genetics Tuebingen
Classification: Likely benign. Last evaluated: 2026-08-01. Review status: criteria provided, single submitter. Criteria: CeGaT Center For Human Genetics Tuebingen Variant Classification Criteria Version 2. Collection method: clinical testing. Allele origin: germline. Affected: yes. Observed: 2 variant alleles.
Comment: RMRP: BS2

Labcorp Genetics (formerly Invitae), Labcorp
Classification: Likely benign for Anauxetic dysplasia. Last evaluated: 2026-01-29. Review status: criteria provided, single submitter. Criteria: Invitae Variant Classification Sherloc (09022015). Collection method: clinical testing. Allele origin: germline.

Blueprint Genetics
Classification: Likely benign. Last evaluated: 2024-11-26. Review status: criteria provided, single submitter. Criteria: ACMG Guidelines, 2015. Collection method: clinical testing. Allele origin: germline.

PreventionGenetics, part of Exact Sciences
Classification: Likely benign for RMRP-related condition. Last evaluated: 2019-04-29. Review status: no assertion criteria provided. Collection method: clinical testing. Allele origin: germline. Not counted in ClinVar's aggregate classification.
Comment: This variant is classified as likely benign based on ACMG/AMP sequence variant interpretation guidelines (Richards et al. 2015 PMID: 25741868, with internal and published modifications).